The following is an entry in ClinVar:

ClinVar aggregate classification (germline): Uncertain significance (1 of 4 stars; one submission).

Conditions:
T-B+ severe combined immunodeficiency due to JAK3 deficiency. Also called: SCID, T CELL-NEGATIVE, B CELL-POSITIVE, NK CELL-NEGATIVE; SCID, autosomal recessive, T-negative/B-positive type. Identifiers: Orphanet 35078, MedGen C1833275, MONDO:0010938, OMIM 600802.

Allele frequency attached by ClinVar (database versions not stated): gnomAD 0.00001; TOPMed 0.00001.
gnomAD v4.1: 9 of 1,610,046 alleles (0.00056%); highest among the groups gnomAD compares: East Asian, 0.018%; no homozygotes.

Submission:

Labcorp Genetics (formerly Invitae), Labcorp
Classification: Uncertain significance for T-B+ severe combined immunodeficiency due to JAK3 deficiency. Last evaluated: 2022-02-22. Review status: criteria provided, single submitter. Criteria: Invitae Variant Classification Sherloc (09022015). Collection method: clinical testing. Allele origin: germline.
Comment: This sequence change replaces alanine, which is neutral and non-polar, with serine, which is neutral and polar, at codon 952 of the JAK3 protein (p.Ala952Ser). This variant is present in population databases (rs762179562, gnomAD 0.04%). This variant has not been reported in the literature in individuals affected with JAK3-related conditions. Advanced modeling of protein sequence and biophysical properties (such as structural, functional, and spatial information, amino acid conservation, physicochemical variation, residue mobility, and thermodynamic stability) performed at Invitae indicates that this missense variant is not expected to disrupt JAK3 protein function. In summary, the available evidence is currently insufficient to determine the role of this variant in disease. Therefore, it has been classified as a Variant of Uncertain Significance.

NM_000215.4(JAK3):c.2854G>T (p.Ala952Ser)

Gene: JAK3 (Janus kinase 3; minus strand). Cytogenetic location: 19p13.11.
Variant type: single nucleotide variant.
Coding change: c.2854G>T on transcript NM_000215.4 (MANE Select); coding-DNA position 2854, G replaced by T.
Protein change: p.Ala952Ser; replaces alanine 952 with serine.
Molecular consequence: missense variant.
Genome position (GRCh38, 1-based): chr19:17,831,352, C>A on the plus strand (G>T on the coding strand, the complement: JAK3 is on the minus strand). VCF-style: chr19-17831352-C-A. GRCh37 (hg19) VCF-style: chr19-17942161-C-A.
Other names: short protein forms A952S.
Identifiers: ClinVar variation 1908377 (VCV001908377.2), dbSNP rs762179562, ClinGen allele CA9301488.
Genomic context (GRCh38, chr19:17,831,352, plus strand): 5'-TAGCTAGGCCGAAGTCAGCGATCTTGACGTGTGCCTCGCTCTCCACGAGGATGTTTCGGG[C>A]GGCCAGGTCGCGGTGCACGCAGCGGCGGGAGCCCAGGTACTCCATGCCCTGCGGGCGGGC-3'
Protein context (NP_000206.2, residues 942-962): SRRCVHRDLA[Ala952Ser]RNILVESEAH